The following is an entry in ClinVar:

NM_000363.5(TNNI3):c.24+5G>C

Gene: TNNI3 (troponin I3, cardiac type; minus strand). Cytogenetic location: 19q13.42.
Variant type: single nucleotide variant.
Coding change: c.24+5G>C on transcript NM_000363.5 (MANE Select); 5 bases into the intron after coding-DNA position 24, G replaced by C.
Molecular consequence: intron variant.
Genome position (GRCh38, 1-based): chr19:55,157,291, C>G on the plus strand (G>C on the coding strand, the complement: TNNI3 is on the minus strand). VCF-style: chr19-55157291-C-G. GRCh37 (hg19) VCF-style: chr19-55668659-C-G.
Other names: c.24+5G>C (NM_000363.4).
Identifiers: ClinVar variation 1043639 (VCV001043639.7), dbSNP rs2085740818, ClinGen allele CA2343275784.

ClinVar aggregate classification (germline): Uncertain significance. Review status: criteria provided, multiple submitters, no conflicts (2 of 4 stars). 2 submissions from 2 submitters: Uncertain significance (2). Last evaluated 2022-05-27.

Conditions:
Hypertrophic cardiomyopathy. Also called: HYPERTROPHIC MYOCARDIOPATHY. Identifiers: Orphanet 217569, MedGen C0007194, MeSH D002312, MONDO:0005045, HP:0001639.

Allele frequency attached by ClinVar (database versions not stated): gnomAD exomes below 0.00001.
gnomAD v4.1: 3 of 1,612,902 alleles (0.00019%); highest among the groups gnomAD compares: African/African-American, 0.0013%; no homozygotes.

Submissions (2):

Clinical Genetics Laboratory, Skane University Hospital Lund
Classification: Uncertain significance. Last evaluated: 2022-05-27. Review status: criteria provided, single submitter. Criteria: ACMG Guidelines, 2015. Collection method: clinical testing. Allele origin: germline. Affected: yes.

Labcorp Genetics (formerly Invitae), Labcorp
Classification: Uncertain significance for Hypertrophic cardiomyopathy. Last evaluated: 2020-08-04. Review status: criteria provided, single submitter. Criteria: Invitae Variant Classification Sherloc (09022015). Collection method: clinical testing. Allele origin: germline.
Comment: This variant is not present in population databases (ExAC no frequency). In summary, the available evidence is currently insufficient to determine the role of this variant in disease. Therefore, it has been classified as a Variant of Uncertain Significance. Nucleotide substitutions within the consensus splice site are a relatively common cause of aberrant splicing (PMID: 17576681, 9536098). Algorithms developed to predict the effect of sequence changes on RNA splicing suggest that this variant may disrupt the consensus splice site, but this prediction has not been confirmed by published transcriptional studies. This variant has not been reported in the literature in individuals with TNNI3-related conditions. This sequence change falls in intron 2 of the TNNI3 gene. It does not directly change the encoded amino acid sequence of the TNNI3 protein, but it affects a nucleotide within the consensus splice site of the intron.

Literature cited by the submitters: PubMed 17576681 (cited by Labcorp Genetics (formerly Invitae), Labcorp); PubMed 9536098 (cited by Labcorp Genetics (formerly Invitae), Labcorp).